The following is an entry in ClinVar:

ClinVar aggregate classification (germline): Conflicting classifications of pathogenicity. Review status: criteria provided, conflicting classifications (1 of 4 stars). 17 submissions from 17 submitters: Pathogenic (4); Likely pathogenic (4); Uncertain significance (2). 7 of the submissions do not count toward it. Last evaluated 2026-09-30.

Conditions:
MYL2-related disorder. Also called: MYL2-related condition; MYL2-related disease; MYL2-related disorders.
Myopathy, myofibrillar, 12, infantile-onset, with cardiomyopathy. Identifiers: MedGen C5561937, MONDO:0859168, OMIM 619424.
Cardiovascular phenotype. Identifiers: MedGen CN230736.
Cardiomyopathy (CMYO). Also called: Cardiomyopathies. Identifiers: Orphanet 167848, MedGen C0878544, MONDO:0004994, HP:0001638. Inheritance: Various modes of inheritance.
Hypertrophic cardiomyopathy 10. Also called: CARDIOMYOPATHY, HYPERTROPHIC, MID-LEFT VENTRICULAR CHAMBER TYPE, 2; MYL2-Related Familial Hypertrophic Cardiomyopathy. Identifiers: MedGen C1834460, MONDO:0012112, OMIM 608758.

Allele frequency attached by ClinVar (database versions not stated): TOPMed 0.00001; ExAC 0.00002; gnomAD 0.00004.
gnomAD v4.1: 50 of 1,606,146 alleles (0.0031%); highest among the groups gnomAD compares: East Asian, 0.0068%; no homozygotes.

Submissions 1 to 8 of 17:

GeneDx
Classification: Likely pathogenic. Last evaluated: 2026-09-30. Review status: criteria provided, single submitter. Criteria: GeneDx Variant Classification Process June 2021. Collection method: clinical testing. Allele origin: germline.
Comment: Also observed in the homozygous state in 11 Dutch infants who subsequently died from cardiomyopathy; predicted variants in this region of the MYL2 gene may only lead to disease when present in a homozygous state (PMID: 23365102); Published functional studies demonstrated that this variant destroys the consensus splice acceptor site of intron 6, and that utilization of an upstream cryptic splice site results in replacement of the last 32 amino acid residues with 20 different amino acid residues and alters the C-terminal domain of MYL2 (PMID: 23365102); This variant is associated with the following publications: (PMID: 24474197, 21415409, 29447731, 30291343, 30847666, 31980526, 31620961, 32665702, 11748309, 31127036, 33662488, 36178741, 38740897, 34714385, 31847883, 36264615, 27378946, 33495596, 28939701, 9673982, 27476098, 23365102)

Labcorp Genetics (formerly Invitae), Labcorp
Classification: Pathogenic for Hypertrophic cardiomyopathy 10. Last evaluated: 2026-01-07. Review status: criteria provided, single submitter. Criteria: Invitae Variant Classification Sherloc (09022015). Collection method: clinical testing. Allele origin: germline.
Comment: This sequence change falls in intron 6 of the MYL2 gene. It does not directly change the encoded amino acid sequence of the MYL2 protein. RNA analysis indicates that this variant induces altered splicing and likely disrupts the C-terminus of the protein. This variant is present in population databases (rs199474813, gnomAD 0.01%). This variant has been observed in individual(s) with autosomal recessive MYL2-related conditions (PMID: 11748309, 23365102). It has also been observed to segregate with disease in related individuals. This variant has been reported in individual(s) with autosomal dominant hypertrophic cardiomyopathy (PMID: 11748309); however, the role of the variant in this condition is currently unclear. ClinVar contains an entry for this variant (Variation ID: 31768). Algorithms developed to predict the effect of variants on gene product structure and function are not available or were not evaluated for this variant. Experimental studies have shown that this variant affects MYL2 function (PMID: 27378946). Variants that disrupt the consensus splice site are a relatively common cause of aberrant splicing (PMID: 17576681, 9536098). Studies have shown that this variant results in activation of a cryptic splice site 23 nucleotides upstream of the original splice site and introduces a new termination codon (PMID: 23365102). However the mRNA is not expected to undergo nonsense-mediated decay. For these reasons, this variant has been classified as Pathogenic.

Ambry Genetics
Classification: Uncertain significance for Cardiovascular phenotype. Last evaluated: 2025-07-28. Review status: criteria provided, single submitter. Criteria: Ambry Variant Classification Scheme 2023. Collection method: clinical testing. Allele origin: germline.
Comment: The c.403-1G>C intronic variant results from a G to C substitution one nucleotide upstream from coding exon 7 of the MYL2 gene. This alteration has been identified in the homozygous state in multiple individuals from the Netherlands with infantile type I muscle fibre disease and cardiomyopathy, and haplotype analysis indicates that this variant is a Dutch founder mutation (Weterman MA et al. Brain, 2013 Jan;136:282-93). This alteration has also been reported in the homozygous state in a child with left ventricular noncompaction and in the heterozygous state in hypertrophic cardiomyopathy cohorts (Andersen PS et al. J. Med. Genet., 2001 Dec;38:E43; van Velzen HG et al. Am. J. Cardiol., 2016 09;118:881-887; van Waning JI et al. J. Am. Coll. Cardiol., 2018 Feb;71:711-722). In addition to the clinical data presented in the literature, alterations that disrupt the canonical splice site are expected to cause aberrant splicing. RNA studies have demonstrated that an alternate splice acceptor site located 23 nucleotides upstream of the native acceptor site is utilized in the presence of this alteration, resulting in the inclusion of 23 intronic nucleotides and a predicted frameshift (p.V135Hfs*20) that disrupts the C-terminal EF hand domain (Weterman MA et al. Brain, 2013 Jan;136:282-93). In vitro functional assays suggest that the resulting truncated protein alters MYL2 function, but the physiological relevance of this result is unclear (Zhou Z et al. Front Physiol, 2016 Jun;7:240). This nucleotide position is highly conserved in available vertebrate species. In silico splice site analysis predicts that this alteration will weaken the native splice acceptor site and will result in the creation or strengthening of a novel splice acceptor site. Although biallelic loss of function of MYL2 has been associated with autosomal recessive MYL2-related infantile onset myofibrillar myopathy with cardiomyopathy, haploinsufficiency of MYL2 has not been established as a mechanism of disease for autosomal dominant MYL2-related cardiomyopathy. Based on the supporting evidence, this variant is expected to be causative of autosomal recessive MYL2-related infantile onset myofibrillar myopathy with cardiomyopathy when present along with a second pathogenic variant on the other allele; however, its clinical significance for autosomal dominant MYL2-related cardiomyopathy is unclear.

Color Diagnostics, LLC DBA Color Health
Classification: Uncertain significance for Cardiomyopathy. Last evaluated: 2025-06-04. Review status: criteria provided, single submitter. Criteria: ACMG Guidelines, 2015. Collection method: clinical testing. Allele origin: germline.
Comment: This variant causes a G to C nucleotide substitution at the -1 position of intron 6 of the MYL2 gene. This variant is also known as IVS6-1G>C in the literature. An RNA study has shown that this variant causes aberrant splicing due to the activation of cryptic acceptor site at c.403-24_403-23AG (PMID: 23365102, 27378946). As a result, the last 32 amino acids of the MYL2 protein are replaced with 19 new amino acids. The mutant protein has shown a decreased binding to myosin heavy chain compared to the wild type protein, resulting in reduced myosin-actin interaction and decreased maximal contractile force of cardiac muscles (PMID: 27378946). However, clinical relevance of this observation is not clear. This variant has primarily been reported in homozygous individuals, including infants from eight different families affected with an infantile cardioskeletal myopathy (PMID: 23365102), two siblings affected with a neonatal form of dilated cardiomyopathy (Posafalvi 2015, dissertation, University of Groningen), and in one child affected with ventricular noncompaction cardiomyopathy (PMID: 29447731). While these children showed severe phenotypes and died early in life, their heterozygous family members were not affected with cardiomyopathy, indicating that this variant is linked to an autosomal recessive phenotype. This variant has been reported in heterozygous state in a few individuals affected with hypertrophic cardiomyopathy (PMID: 11748309, 28939701, 30847666, 33495596) but has also been observed in unaffected adults (PMID: 11748309, 30291343, 31980526, 32665702). This variant has been identified in 12/248224 chromosomes in the general population by the Genome Aggregation Database (gnomAD). In summary, this variant is associated with autosomal recessive cardiomyopathy, but the available evidence is insufficient to determine the role of this variant in autosomal dominant cardiomyopathy conclusively. Therefore, this variant is classified as a Variant of Uncertain Significance for autosomal dominant cardiomyopathy.

Blueprint Genetics
Classification: Pathogenic for MYL2-related disorders. Last evaluated: 2023-11-03. Review status: criteria provided, single submitter. Criteria: ACMG Guidelines, 2015. Collection method: clinical testing. Allele origin: germline. Affected: yes. Observed: 4 variant alleles.

Clinical Genetics Laboratory, Skane University Hospital Lund
Classification: Pathogenic. Last evaluated: 2023-05-30. Review status: criteria provided, single submitter. Criteria: ACMG Guidelines, 2015. Collection method: clinical testing. Allele origin: germline. Affected: yes.

Institute of Human Genetics, University of Leipzig Medical Center
Classification: Likely pathogenic for Hypertrophic cardiomyopathy 10. Last evaluated: 2022-05-04. Review status: criteria provided, single submitter. Criteria: ACMG Guidelines, 2015. Collection method: clinical testing. Allele origin: unknown.
Comment: _x000D_ Criteria applied: PVS1_STR, PS4, PS3_SUP, PM2_SUP

MGZ Medical Genetics Center
Classification: Pathogenic for Myopathy, myofibrillar, 12, infantile-onset, with cardiomyopathy. Last evaluated: 2022-02-21. Review status: criteria provided, single submitter. Criteria: ACMG Guidelines, 2015. Collection method: clinical testing. Allele origin: germline. Affected: yes. Observed: 1 variant allele.
Comment: ACMG criteria applied: PVS1, PS3_MOD, PM2_SUP

NM_000432.4(MYL2):c.403-1G>C

Gene: MYL2 (myosin light chain 2; minus strand). Cytogenetic location: 12q24.11.
Variant type: single nucleotide variant.
Coding change: c.403-1G>C on transcript NM_000432.4 (MANE Select); the canonical splice acceptor site of the intron before coding-DNA position 403, G replaced by C.
Molecular consequence: splice acceptor variant.
Genome position (GRCh38, 1-based): chr12:110,911,176, C>G on the plus strand (G>C on the coding strand, the complement: MYL2 is on the minus strand). VCF-style: chr12-110911176-C-G. GRCh37 (hg19) VCF-style: chr12-111348980-C-G.
Other names: IVS6AS, G-C, -1; c.346-1G>C (NM_001406916.1); c.361-1G>C (NM_001406745.1).
Identifiers: ClinVar variation 31768 (VCV000031768.39), dbSNP rs199474813, ClinGen allele CA010295.
Genomic context (GRCh38, chr12:110,911,176, plus strand): 5'-GTTCTTGTAGTCCAAGTTGCCAGTCACGTCAGGGGGGAAGGCGGCGAACATCTGGTCAAC[C>G]TGCAATGAGCCAGCAACACGTGCTAAGGACGAGGGGAGGGGAACTGAGACGGAGGGTGGG-3'